The following is an entry in ClinVar:

NM_018398.3(CACNA2D3):c.1783-10_1783-9del

Genes: CACNA2D3 (calcium voltage-gated channel auxiliary subunit alpha2delta 3; plus strand), CACNA2D3-AS1 (CACNA2D3 antisense RNA 1; minus strand). Cytogenetic location: 3p14.3.
Variant type: Deletion.
Coding change: c.1783-10_1783-9del on transcript NM_018398.3 (MANE Select); 10 bases into the intron before coding-DNA position 1783 through 9 bases into the intron before coding-DNA position 1783, 2 bases deleted (TT; older notation c.1783-10_1783-9delTT).
Molecular consequence: intron variant.
Genome position (GRCh38, 1-based): chr3:54,879,340-54,879,341, TT deleted; deleting any 2 consecutive bases within chr3:54,879,328-54,879,341 gives the same sequence; the c. name uses the placement nearest the transcript's 3' end. VCF-style (leftmost placement, unchanged base first): chr3-54879327-CTT-C. GRCh37 (hg19) VCF-style: chr3-54913354-CTT-C.
Identifiers: ClinVar variation 3037580 (VCV003037580.2), dbSNP rs35536476, ClinGen allele CA2457913.

ClinVar aggregate classification (germline): Benign (0 of 4 stars; one submission).

Conditions:
CACNA2D3-related disorder. Also called: CACNA2D3-related condition.

Submission:

PreventionGenetics, part of Exact Sciences
Classification: Benign for CACNA2D3-related condition. Last evaluated: 2019-03-29. Review status: no assertion criteria provided. Collection method: clinical testing. Allele origin: germline.
Comment: This variant is classified as benign based on ACMG/AMP sequence variant interpretation guidelines (Richards et al. 2015 PMID: 25741868, with internal and published modifications).